The following is an entry in ClinVar:

NM_000245.4(MET):c.277C>T (p.Pro93Ser)

Gene: MET (MET proto-oncogene, receptor tyrosine kinase; plus strand). Cytogenetic location: 7q31.2.
Variant type: single nucleotide variant.
Coding change: c.277C>T on transcript NM_000245.4 (MANE Select); coding-DNA position 277, C replaced by T.
Protein change: p.Pro93Ser; replaces proline 93 with serine.
Molecular consequence: missense variant. On other transcripts: intron variant (1).
Genome position (GRCh38, 1-based): chr7:116,699,361, C>T. VCF-style: chr7-116699361-C-T. GRCh37 (hg19) VCF-style: chr7-116339415-C-T.
Other names: c.277C>T, p.Pro93Ser (NM_001127500.3, NM_001324401.3); c.-91+26784C>T (NM_001324402.2); c.277C>T (NM_001127500.1); short protein forms P93S.
Identifiers: ClinVar variation 1004915 (VCV001004915.10), dbSNP rs527638748, ClinGen allele CA164888123.
Genomic context (GRCh38, chr7:116,699,361, plus strand): 5'-TTAAATGAGGAAGACCTTCAGAAGGTTGCTGAGTACAAGACTGGGCCTGTGCTGGAACAC[C>T]CAGATTGTTTCCCATGTCAGGACTGCAGCAGCAAAGCCAATTTATCAGGAGGTGTTTGGA-3'
Protein context (NP_000236.2, residues 83-103): EYKTGPVLEH[Pro93Ser]DCFPCQDCSS

ClinVar aggregate classification (germline): Conflicting classifications of pathogenicity. Review status: criteria provided, conflicting classifications (1 of 4 stars). 2 submissions from 2 submitters: Uncertain significance (1); Likely benign (1). Last evaluated 2026-05-18.

Conditions:
Hereditary cancer-predisposing syndrome. Also called: Hereditary neoplastic syndrome; Neoplastic Syndromes, Hereditary; Tumor predisposition; Hereditary Cancer Syndrome. Identifiers: Orphanet 140162, MedGen C0027672, MeSH D009386, MONDO:0015356.
Renal cell carcinoma. Identifiers: Orphanet 217071, MedGen C0007134, MeSH D002292, MONDO:0005086, HP:0005584.

Submissions (2):

Ambry Genetics
Classification: Likely benign for Hereditary cancer-predisposing syndrome. Last evaluated: 2026-05-18. Review status: criteria provided, single submitter. Criteria: Ambry Variant Classification Scheme 2023. Collection method: clinical testing. Allele origin: germline.

Labcorp Genetics (formerly Invitae), Labcorp
Classification: Uncertain significance for Renal cell carcinoma. Last evaluated: 2023-02-23. Review status: criteria provided, single submitter. Criteria: Invitae Variant Classification Sherloc (09022015). Collection method: clinical testing. Allele origin: germline.
Comment: Advanced modeling of protein sequence and biophysical properties (such as structural, functional, and spatial information, amino acid conservation, physicochemical variation, residue mobility, and thermodynamic stability) performed at Invitae indicates that this missense variant is not expected to disrupt MET protein function. In summary, the available evidence is currently insufficient to determine the role of this variant in disease. Therefore, it has been classified as a Variant of Uncertain Significance. This sequence change replaces proline, which is neutral and non-polar, with serine, which is neutral and polar, at codon 93 of the MET protein (p.Pro93Ser). This variant is not present in population databases (gnomAD no frequency). This variant has not been reported in the literature in individuals affected with MET-related conditions. ClinVar contains an entry for this variant (Variation ID: 1004915).